The following is an entry in ClinVar:

NM_197968.4(ZMYM2):c.1981C>T (p.Gln661Ter)

Gene: ZMYM2 (zinc finger MYM-type containing 2; plus strand). Cytogenetic location: 13q12.11.
Variant type: single nucleotide variant.
Coding change: c.1981C>T on transcript NM_197968.4 (MANE Select); coding-DNA position 1981, C replaced by T.
Protein change: p.Gln661Ter; replaces glutamine 661 with a stop codon.
Molecular consequence: nonsense. On other transcripts: non-coding transcript variant (1).
Genome position (GRCh38, 1-based): chr13:20,034,266, C>T. VCF-style: chr13-20034266-C-T. GRCh37 (hg19) VCF-style: chr13-20608406-C-T.
Other names: c.1981C>T, p.Gln661Ter (NM_001190964.4, NM_001190965.4, NM_001353157.2 and 5 more transcripts); c.1786C>T, p.Gln596Ter (NM_001353161.3); c.1720C>T, p.Gln574Ter (NM_001353163.2); short protein forms Q574*, Q596*, Q661*.
Identifiers: ClinVar variation 1309975 (VCV001309975.4), dbSNP rs2140342679, ClinGen allele CA387456473.
Genomic context (GRCh38, chr13:20,034,266, plus strand): 5'-CTTAAGCTTGTCGTCATATACTTACCAAGGTTCCCATTGTGCATTTAGAACAAAGTGCAT[C>T]AGTTCTGCAGCAAAACTTGTTCAGATGACTATAAGAAGTTGCATTGCATAGTTACATATT-3'

ClinVar aggregate classification (germline): Pathogenic. Review status: criteria provided, multiple submitters, no conflicts (2 of 4 stars). 2 submissions from 2 submitters: Pathogenic (2). Last evaluated 2023-02-14.

Conditions:
Neurodevelopmental-craniofacial syndrome with variable renal and cardiac abnormalities. Identifiers: MedGen C5561984, MONDO:0859190, OMIM 619522.

Submissions (2):

UAEU Genomics Laboratory, United Arab Emirates University
Classification: Pathogenic for Neurodevelopmental-craniofacial syndrome with variable renal and cardiac abnormalities. Last evaluated: 2023-02-14. Review status: criteria provided, single submitter. Criteria: ACMG Guidelines, 2015. Collection method: research. Allele origin: de novo. Affected: yes. Observed: 1 variant allele.
Comment: PM2, PVS1, PM6

GeneDx
Classification: Pathogenic. Last evaluated: 2022-01-12. Review status: criteria provided, single submitter. Criteria: GeneDx Variant Classification Process June 2021. Collection method: clinical testing. Allele origin: germline. Affected: yes.
Comment: Nonsense variant predicted to result in protein truncation or nonsense mediated decay in a gene for which loss-of-function is a known mechanism of disease; Not observed in large population cohorts (gnomAD); Has not been previously published as pathogenic or benign to our knowledge